The following is an entry in ClinVar:

ClinVar aggregate classification (germline): Uncertain significance. Review status: criteria provided, multiple submitters, no conflicts (2 of 4 stars). 3 submissions from 3 submitters: Uncertain significance (2). 1 of the submissions does not count toward it. Last evaluated 2023-04-18.

Conditions:
MAGEL2-related disorder. Also called: MAGEL2-related condition.

Allele frequency attached by ClinVar (database versions not stated): gnomAD exomes 0.00001; TOPMed 0.00001; ExAC 0.00004.
gnomAD v4.1: 9 of 1,561,624 alleles (0.00058%); highest among the groups gnomAD compares: Admixed American, 0.0019%; no homozygotes.

Submissions (3):

Labcorp Genetics (formerly Invitae), Labcorp
Classification: Uncertain significance. Last evaluated: 2023-04-18. Review status: criteria provided, single submitter. Criteria: Invitae Variant Classification Sherloc (09022015). Collection method: clinical testing. Allele origin: germline.
Comment: This sequence change replaces proline, which is neutral and non-polar, with arginine, which is basic and polar, at codon 678 of the MAGEL2 protein (p.Pro678Arg). This variant is present in population databases (rs772838496, gnomAD 0.001%). This variant has not been reported in the literature in individuals affected with MAGEL2-related conditions. ClinVar contains an entry for this variant (Variation ID: 1987657). Advanced modeling of protein sequence and biophysical properties (such as structural, functional, and spatial information, amino acid conservation, physicochemical variation, residue mobility, and thermodynamic stability) has been performed at Invitae for this missense variant, however the output from this modeling did not meet the statistical confidence thresholds required to predict the impact of this variant on MAGEL2 protein function. In summary, the available evidence is currently insufficient to determine the role of this variant in disease. Therefore, it has been classified as a Variant of Uncertain Significance.

CeGaT Center for Human Genetics Tuebingen
Classification: Uncertain significance. Last evaluated: 2022-09-01. Review status: criteria provided, single submitter. Criteria: CeGaT Center For Human Genetics Tuebingen Variant Classification Criteria Version 2. Collection method: clinical testing. Allele origin: germline. Affected: yes. Observed: 1 variant allele.

PreventionGenetics, part of Exact Sciences
Classification: Uncertain significance for MAGEL2-related condition. Last evaluated: 2024-08-05. Review status: no assertion criteria provided. Collection method: clinical testing. Allele origin: germline. Not counted in ClinVar's aggregate classification.
Comment: The MAGEL2 c.2033C>G variant is predicted to result in the amino acid substitution p.Pro678Arg. To our knowledge, this variant has not been reported in the literature. This variant is reported in 0.0012% of alleles in individuals of European (Non-Finnish) descent in gnomAD. At this time, the clinical significance of this variant is uncertain due to the absence of conclusive functional and genetic evidence.

NM_019066.5(MAGEL2):c.2033C>G (p.Pro678Arg)

Gene: MAGEL2 (MAGE family member L2; minus strand). Cytogenetic location: 15q11.2.
Variant type: single nucleotide variant.
Coding change: c.2033C>G on transcript NM_019066.5 (MANE Select); coding-DNA position 2033, C replaced by G.
Protein change: p.Pro678Arg; replaces proline 678 with arginine.
Molecular consequence: missense variant.
Genome position (GRCh38, 1-based): chr15:23,645,710, G>C on the plus strand (C>G on the coding strand, the complement: MAGEL2 is on the minus strand). VCF-style: chr15-23645710-G-C. GRCh37 (hg19) VCF-style: chr15-23890857-G-C.
Other names: c.2033C>G (NM_019066.4); short protein forms P678R.
Identifiers: ClinVar variation 1987657 (VCV001987657.28), dbSNP rs772838496, ClinGen allele CA7429973.